The following is an entry in ClinVar:

ClinVar aggregate classification (germline): Uncertain significance (1 of 4 stars; one submission).

Conditions:
MEF2C-related complex neurodevelopmental disorder.

Allele frequency attached by ClinVar (database versions not stated): gnomAD exomes below 0.00001.
gnomAD v4.1: 3 of 1,611,202 alleles (0.00019%); highest among the groups gnomAD compares: Non-Finnish European, 0.00025%; no homozygotes.

Submission:

Illumina Laboratory Services, Illumina
Classification: Uncertain significance for MEF2C-related complex neurodevelopmental disorder. Last evaluated: 2020-01-29. Review status: criteria provided, single submitter. Criteria: ICSLVariantClassificationCriteria RUGD 01 April 2020. Collection method: clinical testing. Allele origin: unknown.
Comment: The MEF2C c.406A>G (p.Lys136Glu) variant is a missense variant. A literature search was performed for the gene, cDNA change, and amino acid change. No publications were found based on this search. This variant is not found the Genome Aggregation Database in a region of good sequence coverage, so the variant is presumed to be rare. Based on the limited evidence, the p.Lys136Glu variant is classified as a variant of unknown significance for MEF2C-related complex neurodevelopmental disorder.

Literature cited by the submitters: PubMed 30376817.

NM_002397.5(MEF2C):c.402+147A>G

Gene: MEF2C (myocyte enhancer factor 2C; minus strand). Cytogenetic location: 5q14.3.
Variant type: single nucleotide variant.
Coding change: c.402+147A>G on transcript NM_002397.5 (MANE Select); 147 bases into the intron after coding-DNA position 402, A replaced by G.
Molecular consequence: intron variant. On other transcripts: missense variant (5).
Genome position (GRCh38, 1-based): chr5:88,761,038, T>C on the plus strand (A>G on the coding strand, the complement: MEF2C is on the minus strand). VCF-style: chr5-88761038-T-C. GRCh37 (hg19) VCF-style: chr5-88056855-T-C.
Other names: c.406A>G, p.Lys136Glu (NM_001193347.1, NM_001364338.2); c.346A>G, p.Lys116Glu (NM_001131005.2, NM_001364343.2, NM_001364352.2); c.402+147A>G (NM_001364329.2, NM_001364330.2, NM_001364333.2 and 18 more transcripts); c.259-8995A>G (NM_001364344.2, NM_001364354.2, NM_001364332.2 and 3 more transcripts); c.24+147A>G (NM_001364353.2, NM_001364356.2); c.-24-8995A>G (NM_001364357.2); short protein forms K116E, K136E.
Identifiers: ClinVar variation 873504 (VCV000873504.4), dbSNP rs1580252051, ClinGen allele CA360424198.